The following is an entry in ClinVar:

ClinVar aggregate classification (germline): Uncertain significance. Review status: criteria provided, multiple submitters, no conflicts (2 of 4 stars). 2 submissions from 2 submitters: Uncertain significance (2). Last evaluated 2025-05-05.

Conditions:
Congenital muscular dystrophy due to integrin alpha-7 deficiency. Also called: Muscular dystrophy, congenital, due to ITGA7 deficiency; MYOPATHY, CONGENITAL, DUE TO INTEGRIN ALPHA-7 DEFICIENCY; Congenital muscular dystrophy with integrin alpha-7 deficiency. Identifiers: Orphanet 34520, MedGen C2750786, MONDO:0013177, OMIM 613204.

Allele frequency attached by ClinVar (database versions not stated): ExAC 0.00001; gnomAD 0.00001; gnomAD exomes 0.00001; TOPMed 0.00002.
gnomAD v4.1: 11 of 1,614,084 alleles (0.00068%); highest among the groups gnomAD compares: Admixed American, 0.0033%; no homozygotes.

Submissions (2):

Ambry Genetics
Classification: Uncertain significance. Last evaluated: 2025-05-05. Review status: criteria provided, single submitter. Criteria: Ambry Variant Classification Scheme 2023. Collection method: clinical testing. Allele origin: germline.

Labcorp Genetics (formerly Invitae), Labcorp
Classification: Uncertain significance for Congenital muscular dystrophy due to integrin alpha-7 deficiency. Last evaluated: 2022-03-19. Review status: criteria provided, single submitter. Criteria: Invitae Variant Classification Sherloc (09022015). Collection method: clinical testing. Allele origin: germline.
Comment: This sequence change replaces arginine, which is basic and polar, with cysteine, which is neutral and slightly polar, at codon 187 of the ITGA7 protein (p.Arg187Cys). This variant is present in population databases (rs751199308, gnomAD 0.004%). This variant has not been reported in the literature in individuals affected with ITGA7-related conditions. Algorithms developed to predict the effect of missense changes on protein structure and function are either unavailable or do not agree on the potential impact of this missense change (SIFT: "Deleterious"; PolyPhen-2: "Probably Damaging"; Align-GVGD: "Class C0"). In summary, the available evidence is currently insufficient to determine the role of this variant in disease. Therefore, it has been classified as a Variant of Uncertain Significance.

NM_002206.3(ITGA7):c.559C>T (p.Arg187Cys)

Gene: ITGA7 (integrin subunit alpha 7; minus strand). Cytogenetic location: 12q13.2.
Variant type: single nucleotide variant.
Coding change: c.559C>T on transcript NM_002206.3 (MANE Select); coding-DNA position 559, C replaced by T.
Protein change: p.Arg187Cys; replaces arginine 187 with cysteine.
Molecular consequence: missense variant. On other transcripts: 5 prime UTR variant (1).
Genome position (GRCh38, 1-based): chr12:55,701,010, G>A on the plus strand (C>T on the coding strand, the complement: ITGA7 is on the minus strand). VCF-style: chr12-55701010-G-A. GRCh37 (hg19) VCF-style: chr12-56094794-G-A.
Other names: c.559C>T, p.Arg187Cys (NM_001144996.2, NM_001374465.1, NM_001410977.1 and 5 more transcripts); c.268C>T, p.Arg90Cys (NM_001144997.2); c.220C>T, p.Arg74Cys (NM_001367993.1, NM_001414035.1); c.-614C>T (NM_001367994.1); c.559C>T (NM_002206.2); short protein forms R187C, R74C, R90C.
Identifiers: ClinVar variation 2164477 (VCV002164477.2), dbSNP rs751199308, ClinGen allele CA6616283.